The following is an entry in ClinVar:

ClinVar aggregate classification (germline): Uncertain significance (1 of 4 stars; one submission).

Conditions:
Joubert syndrome 21 (JBTS21). Identifiers: MedGen C3810212, MONDO:0014288, OMIM 615636.

Allele frequency attached by ClinVar (database versions not stated): ExAC 0.00002; gnomAD 0.00001; TOPMed below 0.00001; gnomAD exomes 0.00001.
gnomAD v4.1: 14 of 1,612,610 alleles (0.00087%); highest among the groups gnomAD compares: Non-Finnish European, 0.0012%; no homozygotes.

Submission:

Labcorp Genetics (formerly Invitae), Labcorp
Classification: Uncertain significance for Joubert syndrome 21. Last evaluated: 2021-05-20. Review status: criteria provided, single submitter. Criteria: Invitae Variant Classification Sherloc (09022015). Collection method: clinical testing. Allele origin: germline.
Comment: This sequence change replaces serine with proline at codon 1123 of the CSPP1 protein (p.Ser1123Pro). The serine residue is moderately conserved and there is a moderate physicochemical difference between serine and proline. This variant is present in population databases (rs766061975, ExAC 0.003%). This variant has not been reported in the literature in individuals with CSPP1-related conditions. Algorithms developed to predict the effect of missense changes on protein structure and function are either unavailable or do not agree on the potential impact of this missense change (SIFT: "Tolerated"; PolyPhen-2: "Probably Damaging"; Align-GVGD: "Class C0"). In summary, the available evidence is currently insufficient to determine the role of this variant in disease. Therefore, it has been classified as a Variant of Uncertain Significance.

NM_001382391.1(CSPP1):c.3382T>C (p.Ser1128Pro)

Genes: ARFGEF1 (ARF guanine nucleotide exchange factor 1; minus strand), CSPP1 (centrosome and spindle pole associated protein 1; plus strand). Cytogenetic location: 8q13.2.
Variant type: single nucleotide variant.
Coding change: c.3382T>C on transcript NM_001382391.1 (MANE Select); coding-DNA position 3382, T replaced by C.
Protein change: p.Ser1128Pro; replaces serine 1128 with proline.
Molecular consequence: missense variant. On other transcripts: intron variant (3).
Genome position (GRCh38, 1-based): chr8:67,193,515, T>C. VCF-style: chr8-67193515-T-C. GRCh37 (hg19) VCF-style: chr8-68105750-T-C.
Other names: c.2332T>C, p.Ser778Pro (NM_001291339.2); c.3301T>C, p.Ser1101Pro (NM_001363131.2); c.3187T>C, p.Ser1063Pro (NM_001363132.2); c.3106T>C, p.Ser1036Pro (NM_001363133.2); c.3448T>C, p.Ser1150Pro (NM_001364869.1); c.3268T>C, p.Ser1090Pro (NM_001364870.1); c.3214T>C, p.Ser1072Pro (NM_001438330.1); c.2683T>C, p.Ser895Pro (NM_001438332.1); and 4 more; short protein forms S1036P, S1101P, S1128P, S778P, S1063P, S1090P, S1123P, S1150P.
Identifiers: ClinVar variation 1373346 (VCV001373346.7), dbSNP rs766061975, ClinGen allele CA4771156.
Genomic context (GRCh38, chr8:67,193,515, plus strand): 5'-TAACTACAGGATAGCAGTCGTCCTAATGTAGCACCAGATGGTCTCTCTCTAAAATCTATA[T>C]CCAGTGTAAATGTTGATGAGCTTAGAGTGAGAAATGAGGAACGAATGCGAAGACTGAATG-3'
Protein context (NP_001369320.1, residues 1118-1138): APDGLSLKSI[Ser1128Pro]SVNVDELRVR